The following is an entry in ClinVar:

NM_000238.4(KCNH2):c.2012C>G (p.Ala671Gly)

Gene: KCNH2 (potassium voltage-gated channel subfamily H member 2; minus strand). Cytogenetic location: 7q36.1.
Variant type: single nucleotide variant.
Coding change: c.2012C>G on transcript NM_000238.4 (MANE Select); coding-DNA position 2012, C replaced by G.
Protein change: p.Ala671Gly; replaces alanine 671 with glycine.
Molecular consequence: missense variant.
Genome position (GRCh38, 1-based): chr7:150,951,054, G>C on the plus strand (C>G on the coding strand, the complement: KCNH2 is on the minus strand). VCF-style: chr7-150951054-G-C. GRCh37 (hg19) VCF-style: chr7-150648142-G-C.
Other names: c.992C>G, p.Ala331Gly (NM_001204798.2, NM_172057.3); c.1724C>G, p.Ala575Gly (NM_001406753.1, NM_001406756.1); c.1835C>G, p.Ala612Gly (NM_001406755.1); c.1712C>G, p.Ala571Gly (NM_001406757.1); c.2012C>G, p.Ala671Gly (NM_172056.3); short protein forms A331G, A671G, A575G, A571G, A612G.
Identifiers: ClinVar variation 1024776 (VCV001024776.10), dbSNP rs779970711, ClinGen allele CA030335.
Genomic context (GRCh38, chr7:150,951,054, plus strand): 5'-TTGGGGATCTGGTGGAAGCGGATGAACTCCCGCACCCGCAGCATCTGTGTGTGGTAGCGG[G>C]CTGTGCCCGAGTACAGCCGCTGGATGATGGCCGACACGTTGCCGAAGATGCTAGCATACA-3'
Protein context (NP_000229.1, residues 661-681): AIIQRLYSGT[Ala671Gly]RYHTQMLRVR

ClinVar aggregate classification (germline): Uncertain significance. Review status: criteria provided, multiple submitters, no conflicts (2 of 4 stars). 2 submissions from 2 submitters: Uncertain significance (2). Last evaluated 2023-12-13.

Conditions:
Long QT syndrome (LQTS). Identifiers: MedGen C0023976, MeSH D008133, MONDO:0002442. Disease mechanism: loss of function. Inheritance: Various modes of inheritance.

Allele frequency attached by ClinVar (database versions not stated): gnomAD exomes below 0.00001; ExAC 0.00001.
gnomAD v4.1: 1 of 1,614,122 alleles (0.000062%); highest among the groups gnomAD compares: Non-Finnish European, 0.000085%; no homozygotes.

Submissions (2):

All of Us Research Program, National Institutes of Health
Classification: Uncertain significance for Long QT syndrome. Last evaluated: 2023-12-13. Review status: criteria provided, single submitter. Criteria: ACMG Guidelines, 2015. Collection method: clinical testing. Allele origin: germline. Inheritance: Autosomal dominant inheritance. Observed: 1 variant allele, 1 heterozygote.
Comment: This missense variant replaces alanine with glycine at codon 671 of the KCNH2 protein. Computational prediction suggests that this variant may have deleterious impact on protein structure and function (internally defined REVEL score threshold >= 0.7, PMID: 27666373). This variant is found within a highly conserved C-terminus region (a.a. 660-741). Rare non-truncating variants in this region have been shown to be significantly overrepresented in individuals with long QT syndrome (PMID: 32893267). To our knowledge, functional studies have not been reported for this variant. This variant has been reported in an individual with suspected long QT syndrome (PMID: 31737537). This variant has been identified in 1/251120 chromosomes in the general population by the Genome Aggregation Database (gnomAD). The available evidence is insufficient to determine the role of this variant in disease conclusively. Therefore, this variant is classified as a Variant of Uncertain Significance.

This study involves interpretation of variants in research participants for the purpose of population health screening. Participant phenotype was not available at the time of variant classification. Additional details can be found in publication PMID: 35346344, PMCID: PMC8962531

Labcorp Genetics (formerly Invitae), Labcorp
Classification: Uncertain significance for Long QT syndrome. Last evaluated: 2022-02-13. Review status: criteria provided, single submitter. Criteria: Invitae Variant Classification Sherloc (09022015). Collection method: clinical testing. Allele origin: germline.
Comment: In summary, the available evidence is currently insufficient to determine the role of this variant in disease. Therefore, it has been classified as a Variant of Uncertain Significance. Algorithms developed to predict the effect of missense changes on protein structure and function (SIFT, PolyPhen-2, Align-GVGD) all suggest that this variant is likely to be disruptive. ClinVar contains an entry for this variant (Variation ID: 1024776). This missense change has been observed in individual(s) with clinical suspicion of long QT syndrome (PMID: 31737537). This variant is present in population databases (rs779970711, gnomAD 0.0009%). This sequence change replaces alanine, which is neutral and non-polar, with glycine, which is neutral and non-polar, at codon 671 of the KCNH2 protein (p.Ala671Gly).

Literature cited by the submitters: PubMed 31737537 (cited by All of Us Research Program, National Institutes of Health and Labcorp Genetics (formerly Invitae), Labcorp); PubMed 32893267 (cited by All of Us Research Program, National Institutes of Health).